The following is an entry in ClinVar:

NM_177438.3(DICER1):c.1908-7T>C

Gene: DICER1 (dicer 1, ribonuclease III; minus strand). Cytogenetic location: 14q32.13.
Variant type: single nucleotide variant.
Coding change: c.1908-7T>C on transcript NM_177438.3 (MANE Select); 7 bases into the intron before coding-DNA position 1908, T replaced by C.
Molecular consequence: intron variant.
Genome position (GRCh38, 1-based): chr14:95,113,231, A>G on the plus strand (T>C on the coding strand, the complement: DICER1 is on the minus strand). VCF-style: chr14-95113231-A-G. GRCh37 (hg19) VCF-style: chr14-95579568-A-G.
Other names: c.1908-7T>C (NM_001291628.2, NM_030621.4, NM_001271282.3 and 1 more transcripts).
Identifiers: ClinVar variation 477074 (VCV000477074.17), dbSNP rs981303167, ClinGen allele CA265913488.

ClinVar aggregate classification (germline): Conflicting classifications of pathogenicity. Review status: criteria provided, conflicting classifications (1 of 4 stars). 3 submissions from 3 submitters: Uncertain significance (1); Likely benign (2). Last evaluated 2026-04-13.

Conditions:
DICER1-related tumor predisposition. Also called: DICER1-related pleuropulmonary blastoma cancer predisposition syndrome; DICER1 syndrome. Identifiers: Orphanet 284343, MedGen C3839822, MONDO:0100216.

Allele frequency attached by ClinVar (database versions not stated): gnomAD exomes 0.00001 and 0.00002; gnomAD 0.00003; TOPMed 0.00003.

Submissions (3):

Myriad Genetics, Inc.
Classification: Likely benign for DICER1-related tumor predisposition. Last evaluated: 2026-04-13. Review status: criteria provided, single submitter. Criteria: Myriad Autosomal Dominant, Autosomal Recessive and X-Linked Classification Criteria (2023). Collection method: clinical testing. Allele origin: unknown.
Comment: This variant is considered likely benign. This variant is intronic and is not expected to impact mRNA splicing.

Labcorp Genetics (formerly Invitae), Labcorp
Classification: Likely benign for DICER1-related tumor predisposition. Last evaluated: 2025-11-17. Review status: criteria provided, single submitter. Criteria: Invitae Variant Classification Sherloc (09022015). Collection method: clinical testing. Allele origin: germline.

Quest Diagnostics Nichols Institute San Juan Capistrano
Classification: Uncertain significance. Last evaluated: 2025-03-05. Review status: criteria provided, single submitter. Criteria: Quest Diagnostics criteria. Collection method: clinical testing. Allele origin: unknown.
Comment: The DICER1 c.1908-7T>C variant has not been reported in individuals with DICER1-related conditions in the published literature. The frequency of this variant in the general population (Genome Aggregation Database) is uninformative in the assessment of its pathogenicity. Analysis of this variant using software algorithms for the prediction of the effect of nucleotide changes on splicing yielded predictions that this variant does not affect DICER1 mRNA splicing. Based on the available information, we are unable to determine the clinical significance of this variant.